The following is an entry in ClinVar:

ClinVar aggregate classification (germline): Pathogenic (1 of 4 stars; one submission).

Conditions:
Microcephaly, normal intelligence and immunodeficiency (NBS). Also called: Microcephaly with normal intelligence immunodeficiency and lymphoreticular malignancies; Nonsyndromal microcephaly autosomal recessive with normal intelligence; Seemanova syndrome 2; SEEMANOVA SYNDROME II; BERLIN BREAKAGE SYNDROME; Immunodeficiency, microcephaly with normal intelligence. Identifiers: Orphanet 647, MedGen C0398791, MONDO:0009623, OMIM 251260.

Submission:

Labcorp Genetics (formerly Invitae), Labcorp
Classification: Pathogenic for Microcephaly, normal intelligence and immunodeficiency. Last evaluated: 2021-10-18. Review status: criteria provided, single submitter. Criteria: Invitae Variant Classification Sherloc (09022015). Collection method: clinical testing. Allele origin: germline.
Comment: This sequence change creates a premature translational stop signal (p.Ser53Leufs*2) in the NBN gene. It is expected to result in an absent or disrupted protein product. This variant is not present in population databases (ExAC no frequency). For these reasons, this variant has been classified as Pathogenic. Loss-of-function variants in NBN are known to be pathogenic (PMID: 9590180, 16415040). This variant has not been reported in the literature in individuals with NBN-related conditions.

Literature cited by the submitters: PubMed 9590180; PubMed 16415040.

NM_002485.5(NBN):c.157del (p.Ser53fs)

Gene: NBN (nibrin; minus strand). Cytogenetic location: 8q21.3.
Variant type: Deletion.
Coding change: c.157del on transcript NM_002485.5 (MANE Select); coding-DNA position 157, one base deleted (T; older notation c.157delT).
Protein change: p.Ser53fs; shifts the reading frame from serine 53.
Molecular consequence: frameshift variant. On other transcripts: 5 prime UTR variant (1).
Genome position (GRCh38, 1-based): chr8:89,982,736, A deleted on the plus strand (T on the coding strand, the reverse complement: NBN is on the minus strand); the first of 4 consecutive A bases (chr8:89,982,736-89,982,739); deleting any one gives the same sequence. VCF-style (leftmost placement, unchanged base first): chr8-89982735-GA-G. GRCh37 (hg19) VCF-style: chr8-90994963-GA-G.
Other names: c.-140del (NM_001024688.3); short protein forms S53fs.
Identifiers: ClinVar variation 1071444 (VCV001071444.7), dbSNP rs767454740, ClinGen allele CA2499219447.